The following is an entry in ClinVar:

ClinVar aggregate classification (germline): Likely pathogenic (1 of 4 stars; one submission).

Conditions:
Pitt-Hopkins syndrome (PTHS). Also called: ENCEPHALOPATHY, SEVERE EPILEPTIC, WITH AUTONOMIC DYSFUNCTION; MENTAL RETARDATION, SYNDROMAL, WITH INTERMITTENT HYPERVENTILATION. Identifiers: Orphanet 2896, MedGen C1970431, MONDO:0012589, OMIM 610954.

Submission:

Labcorp Genetics (formerly Invitae), Labcorp
Classification: Likely pathogenic for Pitt-Hopkins syndrome. Last evaluated: 2018-08-05. Review status: criteria provided, single submitter. Criteria: Invitae Variant Classification Sherloc (09022015). Collection method: clinical testing. Allele origin: germline.
Comment: This variant is not present in population databases (ExAC no frequency). This sequence change affects an acceptor splice site in intron 8 of the TCF4 gene. It is expected to disrupt RNA splicing and likely results in an absent or disrupted protein product. This variant has been observed in an individual affected with intellectual disability (PMID: 26350204). In summary, the currently available evidence indicates that the variant is pathogenic, but additional data are needed to prove that conclusively. Therefore, this variant has been classified as Likely Pathogenic. Donor and acceptor splice site variants typically lead to a loss of protein function (PMID: 16199547), and loss-of-function variants in TCF4 are known to be pathogenic (PMID: 18728071, 22045651). Algorithms developed to predict the effect of sequence changes on RNA splicing suggest that this variant may disrupt the consensus splice site, but this prediction has not been confirmed by published transcriptional studies.

Literature cited by the submitters: PubMed 26350204; PubMed 16199547; PubMed 18728071; PubMed 22045651.

NM_001083962.2(TCF4):c.550-1G>A

Gene: TCF4 (transcription factor 4; minus strand). Cytogenetic location: 18q21.2.
Variant type: single nucleotide variant.
Coding change: c.550-1G>A on transcript NM_001083962.2 (MANE Select); the canonical splice acceptor site of the intron before coding-DNA position 550, G replaced by A.
Molecular consequence: splice acceptor variant. On other transcripts: synonymous variant (1).
Genome position (GRCh38, 1-based): chr18:55,279,657, C>T on the plus strand (G>A on the coding strand, the complement: TCF4 is on the minus strand). VCF-style: chr18-55279657-C-T. GRCh37 (hg19) VCF-style: chr18-52946888-C-T.
Other names: c.567G>A, p.Gln189= (NM_001243228.2); c.856-1G>A (NM_001243226.3); c.475-1G>A (NM_001369584.1, NM_001369576.1, NM_001369585.1 and 3 more transcripts); c.478-1G>A (NM_001369577.1, NM_001369582.1, NM_001243227.2 and 9 more transcripts); c.550-1G>A (NM_001369571.1, NM_001369567.1, NM_001369572.1 and 4 more transcripts); c.544-1G>A (NM_001243230.2); c.547-1G>A (NM_001369569.1, NM_001369573.1, NM_001369570.1); c.337-1G>A (NM_001306208.1, NM_001243232.1); and 4 more.
Identifiers: ClinVar variation 647281 (VCV000647281.9), dbSNP rs1601260508, ClinGen allele CA402701939.
Genomic context (GRCh38, chr18:55,279,657, plus strand): 5'-GGAAGGATAGCCTGGCGAGTCCCTATTGTAGTCGGCAGTGCTTGCTGATGGAGCATAGAC[C>T]TGAGGAGAAAGAACCAACTGAGTTTTGCTTTTTGCATTGACCACAGCAGCCCAAGCTCCA-3'